The following is an entry in ClinVar:

NM_015450.3(POT1):c.1579T>G (p.Ser527Ala)

Gene: POT1 (protection of telomeres 1; minus strand). Cytogenetic location: 7q31.33.
Variant type: single nucleotide variant.
Coding change: c.1579T>G on transcript NM_015450.3 (MANE Select); coding-DNA position 1579, T replaced by G.
Protein change: p.Ser527Ala; replaces serine 527 with alanine.
Molecular consequence: missense variant. On other transcripts: non-coding transcript variant (2).
Genome position (GRCh38, 1-based): chr7:124,829,269, A>C on the plus strand (T>G on the coding strand, the complement: POT1 is on the minus strand). VCF-style: chr7-124829269-A-C. GRCh37 (hg19) VCF-style: chr7-124469323-A-C.
Other names: c.1186T>G, p.Ser396Ala (NM_001042594.2); short protein forms S527A, S396A.
Identifiers: ClinVar variation 3936263 (VCV003936263.1).
Genomic context (GRCh38, chr7:124,829,269, plus strand): 5'-TGTAAACAAACAGTTAAAATTGCAGGGCATGGAAATTTAGCTAACCTTCTGCCACAGAAG[A>C]AGGAATCCACGATGTTTTATCAACCAGGGAATTTAGATTTTGTATGGATCTCAAACTAGA-3'
Protein context (NP_056265.2, residues 517-537): SLVDKTSWIP[Ser527Ala]SVAEALGIVP

ClinVar aggregate classification (germline): Uncertain significance (1 of 4 stars; one submission).

Conditions:
Hereditary cancer-predisposing syndrome. Also called: Tumor predisposition; Hereditary neoplastic syndrome; Hereditary Cancer Syndrome; Neoplastic Syndromes, Hereditary. Identifiers: Orphanet 140162, MedGen C0027672, MeSH D009386, MONDO:0015356.

gnomAD v4.1: 2 of 1,601,950 alleles (0.00012%); highest among the groups gnomAD compares: Non-Finnish European, 0.00017%; no homozygotes.

Submission:

Ambry Genetics
Classification: Uncertain significance for Hereditary cancer-predisposing syndrome. Last evaluated: 2025-05-10. Review status: criteria provided, single submitter. Criteria: Ambry Variant Classification Scheme 2023. Collection method: clinical testing. Allele origin: germline.
Comment: The p.S527A variant (also known as c.1579T>G), located in coding exon 12 of the POT1 gene, results from a T to G substitution at nucleotide position 1579. The serine at codon 527 is replaced by alanine, an amino acid with similar properties. This amino acid position is conserved. In addition, this alteration is predicted to be tolerated by in silico analysis. Based on the available evidence, the clinical significance of this variant remains unclear.